The following is an entry in ClinVar:

NM_182914.3(SYNE2):c.17836A>T (p.Ile5946Phe)

Gene: SYNE2 (spectrin repeat containing nuclear envelope protein 2; plus strand). Cytogenetic location: 14q23.2.
Variant type: single nucleotide variant.
Coding change: c.17836A>T on transcript NM_182914.3 (MANE Select); coding-DNA position 17836, A replaced by T.
Protein change: p.Ile5946Phe; replaces isoleucine 5946 with phenylalanine.
Molecular consequence: missense variant.
Genome position (GRCh38, 1-based): chr14:64,188,673, A>T. VCF-style: chr14-64188673-A-T. GRCh37 (hg19) VCF-style: chr14-64655391-A-T.
Other names: c.17836A>T, p.Ile5946Phe (NM_015180.6); short protein forms I5946F.
Identifiers: ClinVar variation 2896914 (VCV002896914.3), dbSNP rs1481721988, ClinGen allele CA389992354.

ClinVar aggregate classification (germline): Uncertain significance (1 of 4 stars; one submission).

Conditions:
Emery-Dreifuss muscular dystrophy 5, autosomal dominant (EDMD5). Also called: EMERY-DREIFUSS MUSCULAR DYSTROPHY 5. Identifiers: Orphanet 261, MedGen C2751805, MONDO:0013072, OMIM 612999.

Allele frequency attached by ClinVar (database versions not stated): TOPMed below 0.00001; gnomAD 0.00001.
gnomAD v4.1: 6 of 1,614,106 alleles (0.00037%); highest among the groups gnomAD compares: Non-Finnish European, 0.00051%; no homozygotes.

Submission:

Labcorp Genetics (formerly Invitae), Labcorp
Classification: Uncertain significance for Emery-Dreifuss muscular dystrophy 5, autosomal dominant. Last evaluated: 2024-09-05. Review status: criteria provided, single submitter. Criteria: Invitae Variant Classification Sherloc (09022015). Collection method: clinical testing. Allele origin: germline.
Comment: This sequence change replaces isoleucine, which is neutral and non-polar, with phenylalanine, which is neutral and non-polar, at codon 5946 of the SYNE2 protein (p.Ile5946Phe). This variant is present in population databases (no rsID available, gnomAD 0.0009%). This variant has not been reported in the literature in individuals affected with SYNE2-related conditions. An algorithm developed to predict the effect of missense changes on protein structure and function (PolyPhen-2) suggests that this variant is likely to be disruptive. In summary, the available evidence is currently insufficient to determine the role of this variant in disease. Therefore, it has been classified as a Variant of Uncertain Significance.